The following is an entry in ClinVar:

NM_014491.4(FOXP2):c.537GCA[6] (p.Gln191_His192insGln)

Gene: FOXP2 (forkhead box P2; plus strand). Cytogenetic location: 7q31.1.
Variant type: Microsatellite.
Coding change: c.537GCA[6] on transcript NM_014491.4 (MANE Select); six copies in a row of the 3-base unit GCA starting at c.537; the reference has five copies in a row; one copy, 3 bases duplicated.
Protein change: p.Gln191_His192insGln.
Molecular consequence: inframe insertion. On other transcripts: non-coding transcript variant (2).
Genome position (GRCh38, 1-based): chr7:114,629,957-114,629,959, GCA duplicated; duplicating any 3 consecutive bases within chr7:114,629,943-114,629,959 gives the same sequence; the position shown is the placement nearest the transcript's 3' end. VCF-style (leftmost placement, unchanged base first): chr7-114629942-A-ACAG. GRCh37 (hg19) VCF-style: chr7-114269997-A-ACAG.
Other names: c.537GCA[6], p.Gln191_His192insGln (NM_001172766.3, NM_148899.3); c.612GCA[6], p.Gln216_His217insGln (NM_001172767.2, NM_148898.4); c.-813_-811GCA[6] (NM_001172777.1); c.588GCA[6], p.Gln208_His209insGln (NM_148900.4).
Identifiers: ClinVar variation 1747854 (VCV001747854.4), dbSNP rs745780679, ClinGen allele CA4445840.

ClinVar aggregate classification (germline): Likely benign. Review status: criteria provided, multiple submitters, no conflicts (2 of 4 stars). 2 submissions from 2 submitters: Likely benign (2). Last evaluated 2026-04-01.

Conditions:
Inborn genetic diseases. Identifiers: MedGen C0950123, MeSH D030342.

Submissions (2):

CeGaT Center for Human Genetics Tuebingen
Classification: Likely benign. Last evaluated: 2026-04-01. Review status: criteria provided, single submitter. Criteria: CeGaT Center For Human Genetics Tuebingen Variant Classification Criteria Version 2. Collection method: clinical testing. Allele origin: germline. Affected: yes. Observed: 1 variant allele.
Comment: FOXP2: BS1

Ambry Genetics
Classification: Likely benign for Inborn genetic diseases. Last evaluated: 2019-08-22. Review status: criteria provided, single submitter. Criteria: Ambry Variant Classification Scheme 2023. Collection method: clinical testing. Allele origin: germline.